The following is an entry in ClinVar:

NM_031935.3(HMCN1):c.15775C>G (p.Pro5259Ala)

Gene: HMCN1 (hemicentin 1; plus strand). Cytogenetic location: 1q31.1.
Variant type: single nucleotide variant.
Coding change: c.15775C>G on transcript NM_031935.3 (MANE Select); coding-DNA position 15775, C replaced by G.
Protein change: p.Pro5259Ala; replaces proline 5259 with alanine.
Molecular consequence: missense variant.
Genome position (GRCh38, 1-based): chr1:186,172,092, C>G. VCF-style: chr1-186172092-C-G. GRCh37 (hg19) VCF-style: chr1-186141224-C-G.
Other names: short protein forms P5259A.
Identifiers: ClinVar variation 2986353 (VCV002986353.3), dbSNP rs1185256143, ClinGen allele CA343934177.

ClinVar aggregate classification (germline): Uncertain significance (1 of 4 stars; one submission).

gnomAD v4.1: 1 of 1,613,790 alleles (0.000062%); highest among the groups gnomAD compares: Non-Finnish European, 0.000085%; no homozygotes.

Submission:

Labcorp Genetics (formerly Invitae), Labcorp
Classification: Uncertain significance. Last evaluated: 2023-10-05. Review status: criteria provided, single submitter. Criteria: Invitae Variant Classification Sherloc (09022015). Collection method: clinical testing. Allele origin: germline.
Comment: This sequence change replaces proline, which is neutral and non-polar, with alanine, which is neutral and non-polar, at codon 5259 of the HMCN1 protein (p.Pro5259Ala). This variant is not present in population databases (gnomAD no frequency). This variant has not been reported in the literature in individuals affected with HMCN1-related conditions. An algorithm developed to predict the effect of missense changes on protein structure and function (PolyPhen-2) suggests that this variant is likely to be disruptive. In summary, the available evidence is currently insufficient to determine the role of this variant in disease. Therefore, it has been classified as a Variant of Uncertain Significance.